The following is an entry in ClinVar:

NM_000360.4(TH):c.1154T>C (p.Val385Ala)

Gene: TH (tyrosine hydroxylase; minus strand). Cytogenetic location: 11p15.5.
Variant type: single nucleotide variant.
Coding change: c.1154T>C on transcript NM_000360.4 (MANE Select); coding-DNA position 1154, T replaced by C.
Protein change: p.Val385Ala; replaces valine 385 with alanine.
Molecular consequence: missense variant.
Genome position (GRCh38, 1-based): chr11:2,165,714, A>G on the plus strand (T>C on the coding strand, the complement: TH is on the minus strand). VCF-style: chr11-2165714-A-G. GRCh37 (hg19) VCF-style: chr11-2186944-A-G.
Other names: c.1247T>C, p.Val416Ala (NM_199292.3); c.1235T>C, p.Val412Ala (NM_199293.3); short protein forms V416A, V385A, V412A.
Identifiers: ClinVar variation 1303322 (VCV001303322.2), dbSNP rs573129039, ClinGen allele CA5818358.

ClinVar aggregate classification (germline): Uncertain significance (1 of 4 stars; one submission).

Allele frequency attached by ClinVar (database versions not stated): gnomAD exomes below 0.00001 and 0.00001; gnomAD 0.00001; ExAC 0.00002; 1000 Genomes Project 30x 0.00016; 1000 Genomes Project 0.00020.
gnomAD v4.1: 3 of 1,612,308 alleles (0.00019%); highest among the groups gnomAD compares: Non-Finnish European, 0.00025%; no homozygotes.

Submission:

GeneDx
Classification: Uncertain significance. Last evaluated: 2019-04-12. Review status: criteria provided, single submitter. Criteria: GeneDx Variant Classification Process June 2021. Collection method: clinical testing. Allele origin: germline. Affected: yes.
Comment: Not observed at a significant frequency in large population cohorts (Lek et al., 2016); Has not been previously published as pathogenic or benign to our knowledge